The following is an entry in ClinVar:

ClinVar aggregate classification (germline): Uncertain significance (1 of 4 stars; one submission).

Submission:

GeneDx
Classification: Uncertain significance. Last evaluated: 2024-01-19. Review status: criteria provided, single submitter. Criteria: GeneDx Variant Classification Process June 2021. Collection method: clinical testing. Allele origin: germline. Affected: yes.
Comment: Not observed at significant frequency in large population cohorts (gnomAD); Has not been previously published as pathogenic or benign to our knowledge; In silico analysis is inconclusive as to whether the variant alters gene splicing. In the absence of RNA/functional studies, the actual effect of this sequence change is unknown.

NM_001903.5(CTNNA1):c.106-8_106-6del

Gene: CTNNA1 (catenin alpha 1; plus strand). Cytogenetic location: 5q31.2.
Variant type: Deletion.
Coding change: c.106-8_106-6del on transcript NM_001903.5 (MANE Select); 8 bases into the intron before coding-DNA position 106 through 6 bases into the intron before coding-DNA position 106, 3 bases deleted (ACT; older notation c.106-8_106-6delACT).
Molecular consequence: intron variant.
Genome position (GRCh38, 1-based): chr5:138,783,169-138,783,171, ACT deleted. VCF-style (leftmost placement, unchanged base first): chr5-138783168-AACT-A. GRCh37 (hg19) VCF-style: chr5-138118857-AACT-A.
Other names: c.106-8_106-6del (NM_001323982.2, NM_001323984.2, NM_001290307.3 and 3 more transcripts); c.-101-8_-101-6del (NM_001290310.3); c.-9+1140_-9+1142del (NM_001290309.3).
Identifiers: ClinVar variation 3367905 (VCV003367905.1).